The following is an entry in ClinVar:

ClinVar aggregate classification (germline): Uncertain significance (1 of 4 stars; one submission).

Conditions:
Hereditary cancer-predisposing syndrome. Also called: Tumor predisposition; Neoplastic Syndromes, Hereditary; Hereditary neoplastic syndrome; Hereditary Cancer Syndrome. Identifiers: Orphanet 140162, MedGen C0027672, MeSH D009386, MONDO:0015356.

Submission:

Ambry Genetics
Classification: Uncertain significance for Hereditary cancer-predisposing syndrome. Last evaluated: 2024-09-03. Review status: criteria provided, single submitter. Criteria: Ambry Variant Classification Scheme 2023. Collection method: clinical testing. Allele origin: germline.
Comment: The p.Q383H variant (also known as c.1149G>C), located in coding exon 6 of the SMARCA4 gene, results from a G to C substitution at nucleotide position 1149. The glutamine at codon 383 is replaced by histidine, an amino acid with highly similar properties. This amino acid position is conserved. In addition, this alteration is predicted to be tolerated by in silico analysis. Based on the available evidence, the clinical significance of this variant remains unclear.

NM_003072.5(SMARCA4):c.1149G>C (p.Gln383His)

Gene: SMARCA4 (SWI/SNF related BAF chromatin remodeling complex subunit ATPase 4; plus strand). Cytogenetic location: 19p13.2.
Variant type: single nucleotide variant.
Coding change: c.1149G>C on transcript NM_003072.5 (MANE Select); coding-DNA position 1149, G replaced by C.
Protein change: p.Gln383His; replaces glutamine 383 with histidine.
Molecular consequence: missense variant. On other transcripts: non-coding transcript variant (1).
Genome position (GRCh38, 1-based): chr19:10,989,347, G>C. VCF-style: chr19-10989347-G-C. GRCh37 (hg19) VCF-style: chr19-11100023-G-C.
Other names: c.1149G>C, p.Gln383His (NM_001128844.3, NM_001128845.2, NM_001128846.2 and 6 more transcripts); short protein forms Q383H.
Identifiers: ClinVar variation 3445996 (VCV003445996.1).
Genomic context (GRCh38, chr19:10,989,347, plus strand): 5'-ACCGCCTTTGCTCCTTGTCTCTGCTCCCAGGCTGCAGGCTCGCATCGCACACCGAATTCA[G>C]GAACTTGAAAACCTTCCCGGGTCCCTGGCCGGGGATTTGCGAACCAAAGCGACCATTGAG-3'
Protein context (NP_003063.2, residues 373-393): RLQARIAHRI[Gln383His]ELENLPGSLA